The following is an entry in ClinVar:

NM_014946.4(SPAST):c.1361dup (p.His455fs)

Gene: SPAST (spastin; plus strand). Cytogenetic location: 2p22.3.
Variant type: Duplication.
Coding change: c.1361dup on transcript NM_014946.4 (MANE Select); coding-DNA position 1361, one base duplicated (A; older notation c.1361dupA).
Protein change: p.His455fs; shifts the reading frame from histidine 455.
Molecular consequence: frameshift variant.
Genome position (GRCh38, 1-based): chr2:32,136,916, A duplicated. VCF-style (leftmost placement, unchanged base first): chr2-32136915-G-GA. GRCh37 (hg19) VCF-style: chr2-32361984-G-GA.
Other names: c.1361dupA (NM_014946.3); c.1265dup, p.His423fs (NM_199436.2, NM_001377959.1); c.1358dup, p.His454fs (NM_001363823.2); c.1262dup, p.His422fs (NM_001363875.2); short protein forms H423fs, H422fs, H454fs, H455fs.
Identifiers: ClinVar variation 662160 (VCV000662160.14), dbSNP rs1573156283, ClinGen allele CA915943724.

ClinVar aggregate classification (germline): Pathogenic. Review status: criteria provided, multiple submitters, no conflicts (2 of 4 stars). 3 submissions from 3 submitters: Pathogenic (3). Last evaluated 2025-10-23.

Conditions:
Hereditary spastic paraplegia 4. Also called: Spastic paraplegia 4, autosomal dominant; Spastic Paraplegia 4; Familial spastic paraplegia autosomal dominant 2. Identifiers: Orphanet 100985, MedGen C1866855, MONDO:0008438, OMIM 182601.
Hereditary spastic paraplegia. Also called: Familial spastic paraparesis. Identifiers: Orphanet 685, MedGen C0037773, MONDO:0019064. Disease mechanism: loss of function.

Submissions (3):

Labcorp Genetics (formerly Invitae), Labcorp
Classification: Pathogenic for Hereditary spastic paraplegia 4. Last evaluated: 2025-10-23. Review status: criteria provided, single submitter. Criteria: Invitae Variant Classification Sherloc (09022015). Collection method: clinical testing. Allele origin: germline.
Comment: This sequence change creates a premature translational stop signal (p.His455Alafs*4) in the SPAST gene. It is expected to result in an absent or disrupted protein product. Loss-of-function variants in SPAST are known to be pathogenic (PMID: 20932283). This variant is not present in population databases (gnomAD no frequency). This premature translational stop signal has been observed in individuals with spastic paraplegia (PMID: 11309678; internal data). Invitae Evidence Modeling of clinical and family history, age, sex, and reported ancestry of multiple individuals with this SPAST variant has been performed. This variant is expected to be pathogenic with a positive predictive value of at least 99%. This is a validated machine learning model that incorporates the clinical features of 4,195 individuals referred to our laboratory for SPAST testing. This variant is also known as 1486insA. ClinVar contains an entry for this variant (Variation ID: 662160). For these reasons, this variant has been classified as Pathogenic.

Athena Diagnostics
Classification: Pathogenic. Last evaluated: 2024-04-17. Review status: criteria provided, single submitter. Criteria: Athena Diagnostics Criteria. Collection method: clinical testing. Allele origin: unknown.
Comment: This variant is expected to result in the loss of a functional protein. This variant has been identified in at least one individual with clinical features associated with this gene. This variant has not been reported in large, multi-ethnic general populations.

Genome Diagnostics Laboratory, The Hospital for Sick Children
Classification: Pathogenic for Hereditary spastic paraplegia. Last evaluated: 2020-07-01. Review status: criteria provided, single submitter. Criteria: ACMG Guidelines, 2015. Collection method: clinical testing. Allele origin: germline. Affected: yes.

Literature cited by the submitters: PubMed 20932283 (cited by Labcorp Genetics (formerly Invitae), Labcorp); PubMed 11309678 (cited by Labcorp Genetics (formerly Invitae), Labcorp and Athena Diagnostics).